The following is an entry in ClinVar:

ClinVar aggregate classification (germline): Pathogenic/Likely pathogenic. Review status: criteria provided, multiple submitters, no conflicts (2 of 4 stars). 5 submissions from 5 submitters: Pathogenic (2); Likely pathogenic (1). 2 of the submissions do not count toward it. Last evaluated 2024-07-13.

Conditions:
Joubert syndrome and related disorders. Identifiers: Orphanet 140874, MedGen C5679612, MONDO:0015369.
Joubert syndrome 9 (JBTS9). Identifiers: Orphanet 2318, MedGen C2676788, MONDO:0012849, OMIM 612285.
COACH syndrome 2. Identifiers: MedGen C5436837, MONDO:0030859, OMIM 619111.
Meckel syndrome, type 6. Identifiers: Orphanet 564, MedGen C2676790, MONDO:0012848, OMIM 612284.
Retinitis pigmentosa 93. Identifiers: MedGen C5676970, MONDO:0030797, OMIM 619845.
Joubert syndrome. Also called: JOUBERT-BOLTSHAUSER SYNDROME; Familial aplasia of the vermis. Identifiers: Orphanet 475, MedGen C5979921, MONDO:0018772.
Meckel-Gruber syndrome. Also called: DYSENCEPHALIA SPLANCHNOCYSTICA; GRUBER SYNDROME; Dysencephalia splachnocystica. Identifiers: Orphanet 564, MedGen C0265215, MONDO:0018921.

Allele frequency attached by ClinVar (database versions not stated): TOPMed below 0.00001; ExAC 0.00001; gnomAD 0.00001; gnomAD exomes 0.00001.
gnomAD v4.1: 14 of 1,537,494 alleles (0.00091%); highest among the groups gnomAD compares: African/African-American, 0.0014%; no homozygotes.

Submissions (5):

Myriad Genetics, Inc.
Classification: Pathogenic for Joubert syndrome and related disorders. Last evaluated: 2024-07-13. Review status: criteria provided, single submitter. Criteria: Myriad Autosomal Dominant, Autosomal Recessive and X-Linked Classification Criteria (2023). Collection method: clinical testing. Allele origin: unknown.
Comment: NM_001080522.2(CC2D2A):c.712G>T(E238*) is expected to be pathogenic in the context of CC2D2A-related disorders. This variant is predicted to lead to an abnormal or absent protein product due to the creation of a premature termination codon in CC2D2A, a gene where loss-of-function variants are known to be pathogenic. Please note: this variant was assessed in the context of healthy population screening.

Fulgent Genetics
Classification: Likely pathogenic for Meckel syndrome, type 6; Joubert syndrome 9; COACH syndrome 2; Retinitis pigmentosa 93. Last evaluated: 2024-05-07. Review status: criteria provided, single submitter. Criteria: ACMG Guidelines, 2015. Collection method: clinical testing. Allele origin: germline.

Labcorp Genetics (formerly Invitae), Labcorp
Classification: Pathogenic for Joubert syndrome; Meckel-Gruber syndrome. Last evaluated: 2023-04-28. Review status: criteria provided, single submitter. Criteria: Invitae Variant Classification Sherloc (09022015). Collection method: clinical testing. Allele origin: germline.
Comment: This sequence change creates a premature translational stop signal (p.Glu238*) in the CC2D2A gene. It is expected to result in an absent or disrupted protein product. Loss-of-function variants in CC2D2A are known to be pathogenic (PMID: 19777577). This variant is present in population databases (rs761213221, gnomAD 0.001%). This variant has not been reported in the literature in individuals affected with CC2D2A-related conditions. ClinVar contains an entry for this variant (Variation ID: 1297595). Algorithms developed to predict the effect of sequence changes on RNA splicing suggest that this variant may create or strengthen a splice site. For these reasons, this variant has been classified as Pathogenic.

Clinical Genetics DNA and cytogenetics Diagnostics Lab, Erasmus MC, Erasmus Medical Center
Classification: Pathogenic. Review status: no assertion criteria provided. Collection method: clinical testing. Allele origin: germline. Affected: yes. Study: VKGL Data-share Consensus. Not counted in ClinVar's aggregate classification.

Joint Genome Diagnostic Labs from Nijmegen and Maastricht, Radboudumc and MUMC+
Classification: Pathogenic. Review status: no assertion criteria provided. Collection method: clinical testing. Allele origin: germline. Affected: yes. Study: VKGL Data-share Consensus. Not counted in ClinVar's aggregate classification.

Literature cited by the submitters: PubMed 19777577 (cited by Labcorp Genetics (formerly Invitae), Labcorp).

NM_001378615.1(CC2D2A):c.712G>T (p.Glu238Ter)

Genes: CC2D2A (coiled-coil and C2 domain containing 2A; plus strand), FBXL5 (F-box and leucine rich repeat protein 5; minus strand). Cytogenetic location: 4p15.32.
Variant type: single nucleotide variant.
Coding change: c.712G>T on transcript NM_001378615.1 (MANE Select); coding-DNA position 712, G replaced by T.
Protein change: p.Glu238Ter; replaces glutamic acid 238 with a stop codon.
Molecular consequence: nonsense.
Genome position (GRCh38, 1-based): chr4:15,511,418, G>T. VCF-style: chr4-15511418-G-T. GRCh37 (hg19) VCF-style: chr4-15513041-G-T.
Other names: c.712G>T, p.Glu238Ter (NM_001080522.2); c.565G>T, p.Glu189Ter (NM_001378617.1); short protein forms E189*, E238*.
Identifiers: ClinVar variation 1297595 (VCV001297595.10), dbSNP rs761213221, ClinGen allele CA2863463.
Genomic context (GRCh38, chr4:15,511,418, plus strand): 5'-ACTAATCAAGAGGAGGAGGAAGGGGAAGAAGAAGAACCACCTGCACAAGGAGGAGGAAAG[G>T]AAATGGTATTTAATATCAGGATGGTAATGAGGTGTGGGTGGAGGGCTAGGAGGAAAAAGC-3'